The following is an entry in ClinVar:

ClinVar aggregate classification (germline): Uncertain significance (1 of 4 stars; one submission).

Conditions:
Immunodeficiency due to CD25 deficiency. Also called: IMMUNODEFICIENCY 41 WITH LYMPHOPROLIFERATION AND AUTOIMMUNITY; IL2RA DEFICIENCY; CD25 DEFICIENCY. Identifiers: Orphanet 169100, MedGen C1853392, MONDO:0011664, OMIM 606367.

Allele frequency attached by ClinVar (database versions not stated): ExAC 0.00001; gnomAD 0.00001; gnomAD exomes 0.00001; TOPMed 0.00001.
gnomAD v4.1: 14 of 1,613,476 alleles (0.00087%); highest among the groups gnomAD compares: East Asian, 0.0022%; no homozygotes.

Submission:

Labcorp Genetics (formerly Invitae), Labcorp
Classification: Uncertain significance for Immunodeficiency due to CD25 deficiency. Last evaluated: 2024-08-05. Review status: criteria provided, single submitter. Criteria: Invitae Variant Classification Sherloc (09022015). Collection method: clinical testing. Allele origin: germline.
Comment: This sequence change replaces threonine, which is neutral and polar, with methionine, which is neutral and non-polar, at codon 232 of the IL2RA protein (p.Thr232Met). This variant is present in population databases (rs763651926, gnomAD 0.003%). This variant has not been reported in the literature in individuals affected with IL2RA-related conditions. ClinVar contains an entry for this variant (Variation ID: 1347239). Advanced modeling of protein sequence and biophysical properties (such as structural, functional, and spatial information, amino acid conservation, physicochemical variation, residue mobility, and thermodynamic stability) performed at Invitae indicates that this missense variant is not expected to disrupt IL2RA protein function with a negative predictive value of 80%. In summary, the available evidence is currently insufficient to determine the role of this variant in disease. Therefore, it has been classified as a Variant of Uncertain Significance.

NM_000417.3(IL2RA):c.695C>T (p.Thr232Met)

Gene: IL2RA (interleukin 2 receptor subunit alpha; minus strand). Cytogenetic location: 10p15.1.
Variant type: single nucleotide variant.
Coding change: c.695C>T on transcript NM_000417.3 (MANE Select); coding-DNA position 695, C replaced by T.
Protein change: p.Thr232Met; replaces threonine 232 with methionine.
Molecular consequence: missense variant.
Genome position (GRCh38, 1-based): chr10:6,019,460, G>A on the plus strand (C>T on the coding strand, the complement: IL2RA is on the minus strand). VCF-style: chr10-6019460-G-A. GRCh37 (hg19) VCF-style: chr10-6061423-G-A.
Other names: c.479C>T, p.Thr160Met (NM_001308242.2); c.407C>T, p.Thr136Met (NM_001308243.2); short protein forms T232M, T160M, T136M.
Identifiers: ClinVar variation 1347239 (VCV001347239.5), dbSNP rs763651926, ClinGen allele CA5397347.
Genomic context (GRCh38, chr10:6,019,460, plus strand): 5'-TTGTCCACAAAGCCAGTGCCCCACTCACCTGCTACCTGGTACTCTGTTGTAAATATGGAC[G>A]TCTCCATGGTTGCAGCCATTTCTGTCTGTATTTGAAAATCTGTGAAAAAGAGATAAAGAG-3'
Protein context (NP_000408.1, residues 222-242): IQTEMAATME[Thr232Met]SIFTTEYQVA